The following is an entry in ClinVar:

ClinVar aggregate classification (germline): Uncertain significance (1 of 4 stars; one submission).

gnomAD v4.1: 16 of 1,614,002 alleles (0.00099%); highest among the groups gnomAD compares: East Asian, 0.036%; no homozygotes.

Submission:

Labcorp Genetics (formerly Invitae), Labcorp
Classification: Uncertain significance. Last evaluated: 2026-01-05. Review status: criteria provided, single submitter. Criteria: Invitae Variant Classification Sherloc (09022015). Collection method: clinical testing. Allele origin: germline.
Comment: This sequence change replaces cysteine, which is neutral and slightly polar, with glycine, which is neutral and non-polar, at codon 551 of the XPO5 protein (p.Cys551Gly). This variant is present in population databases (rs776064724, gnomAD 0.02%). This variant has not been reported in the literature in individuals affected with XPO5-related conditions. An algorithm developed to predict the effect of missense changes on protein structure and function (PolyPhen-2) suggests that this variant is likely to be disruptive. In summary, the available evidence is currently insufficient to determine the role of this variant in disease. Therefore, it has been classified as a Variant of Uncertain Significance.

NM_020750.3(XPO5):c.1651T>G (p.Cys551Gly)

Genes: POLR1C (RNA polymerase I and III subunit C; plus strand), XPO5 (exportin 5; minus strand). Cytogenetic location: 6p21.1.
Variant type: single nucleotide variant.
Coding change: c.1651T>G on transcript NM_020750.3 (MANE Select); coding-DNA position 1651, T replaced by G.
Protein change: p.Cys551Gly; replaces cysteine 551 with glycine.
Molecular consequence: missense variant. On other transcripts: non-coding transcript variant (1), intron variant (1).
Genome position (GRCh38, 1-based): chr6:43,551,375, A>C on the plus strand (T>G on the coding strand, the complement: XPO5 is on the minus strand). VCF-style: chr6-43551375-A-C. GRCh37 (hg19) VCF-style: chr6-43519112-A-C.
Other names: c.*42+364A>C (NM_001363658.2); short protein forms C551G.
Identifiers: ClinVar variation 4693315 (VCV004693315.1).